The following is an entry in ClinVar:

NM_006767.4(LZTR1):c.1057G>T (p.Glu353Ter)

Gene: LZTR1 (leucine zipper like post translational regulator 1; plus strand). Cytogenetic location: 22q11.21.
Variant type: single nucleotide variant.
Coding change: c.1057G>T on transcript NM_006767.4 (MANE Select); coding-DNA position 1057, G replaced by T.
Protein change: p.Glu353Ter; replaces glutamic acid 353 with a stop codon.
Molecular consequence: nonsense.
Genome position (GRCh38, 1-based): chr22:20,992,277, G>T. VCF-style: chr22-20992277-G-T. GRCh37 (hg19) VCF-style: chr22-21346566-G-T.
Other names: short protein forms E353*.
Identifiers: ClinVar variation 4101816 (VCV004101816.1).

ClinVar aggregate classification (germline): Pathogenic (1 of 4 stars; one submission).

Conditions:
Cardiovascular phenotype. Identifiers: MedGen CN230736.
Hereditary cancer-predisposing syndrome. Also called: Tumor predisposition; Neoplastic Syndromes, Hereditary; Hereditary neoplastic syndrome; Hereditary Cancer Syndrome. Identifiers: Orphanet 140162, MedGen C0027672, MeSH D009386, MONDO:0015356.

gnomAD v4.1: 1 of 1,614,034 alleles (0.000062%); highest among the groups gnomAD compares: South Asian, 0.0011%; no homozygotes.

Submission:

Ambry Genetics
Classification: Pathogenic for Cardiovascular phenotype; Hereditary cancer-predisposing syndrome. Last evaluated: 2025-08-12. Review status: criteria provided, single submitter. Criteria: Ambry Variant Classification Scheme 2023. Collection method: clinical testing. Allele origin: germline.
Comment: The p.E353* pathogenic mutation (also known as c.1057G>T), located in coding exon 10 of the LZTR1 gene, results from a G to T substitution at nucleotide position 1057. This changes the amino acid from a glutamic acid to a stop codon within coding exon 10. This variant is considered to be rare based on population cohorts in the Genome Aggregation Database (gnomAD). This alteration is expected to result in loss of function by premature protein truncation or nonsense-mediated mRNA decay. Loss-of-function variants in LZTR1 are related to an increased risk for schwannomas and autosomal recessive Noonan syndrome; however, such associations with autosomal dominant Noonan syndrome have not been observed (Piotrowski A et al. Nat Genet. 2014 Feb;46:182-7; Yamamoto GL et al. J Med Genet. 2015 Jun;52:413-21; Johnston JJ et al. Genet Med. 2018 10;20:1175-1185). Based on the supporting evidence, this variant is pathogenic for an increased risk of LZTR1-related schwannomatosis (SWN) and would be expected to cause autosomal recessive Noonan syndrome when present along with a second pathogenic or likely pathogenic variant on the other allele; however, the association of this alteration with autosomal dominant Noonan syndrome is unlikely.